The following is an entry in ClinVar:

NM_018474.6(KIZ):c.872T>C (p.Leu291Ser)

Gene: KIZ (kizuna centrosomal protein; plus strand). Cytogenetic location: 20p11.23.
Variant type: single nucleotide variant.
Coding change: c.872T>C on transcript NM_018474.6 (MANE Select); coding-DNA position 872, T replaced by C.
Protein change: p.Leu291Ser; replaces leucine 291 with serine.
Molecular consequence: missense variant.
Genome position (GRCh38, 1-based): chr20:21,162,337, T>C. VCF-style: chr20-21162337-T-C. GRCh37 (hg19) VCF-style: chr20-21142978-T-C.
Other names: c.563T>C, p.Leu188Ser (NM_001163022.3, NM_001352435.2); c.473T>C, p.Leu158Ser (NM_001163023.3); c.725T>C, p.Leu242Ser (NM_001276389.2); c.872T>C, p.Leu291Ser (NM_001352434.2); c.530T>C, p.Leu177Ser (NM_001352436.2); short protein forms L242S, L177S, L188S, L158S, L291S.
Identifiers: ClinVar variation 2114999 (VCV002114999.3), dbSNP rs2519757991, ClinGen allele CA408492915.

ClinVar aggregate classification (germline): Uncertain significance (1 of 4 stars; one submission).

Allele frequency attached by ClinVar (database versions not stated): gnomAD exomes below 0.00001.
gnomAD v4.1: 1 of 1,613,902 alleles (0.000062%); highest among the groups gnomAD compares: Non-Finnish European, 0.000085%; no homozygotes.

Submission:

Labcorp Genetics (formerly Invitae), Labcorp
Classification: Uncertain significance. Last evaluated: 2022-03-20. Review status: criteria provided, single submitter. Criteria: Invitae Variant Classification Sherloc (09022015). Collection method: clinical testing. Allele origin: germline.
Comment: This sequence change replaces leucine, which is neutral and non-polar, with serine, which is neutral and polar, at codon 291 of the KIZ protein (p.Leu291Ser). This variant is not present in population databases (gnomAD no frequency). This variant has not been reported in the literature in individuals affected with KIZ-related conditions. Experimental studies and prediction algorithms are not available or were not evaluated, and the functional significance of this variant is currently unknown. In summary, the available evidence is currently insufficient to determine the role of this variant in disease. Therefore, it has been classified as a Variant of Uncertain Significance.